The following is an entry in ClinVar:

ClinVar aggregate classification (germline): Uncertain significance. Review status: criteria provided, multiple submitters, no conflicts (2 of 4 stars). 2 submissions from 2 submitters: Uncertain significance (2). Last evaluated 2022-11-01.

Conditions:
Brachyolmia-amelogenesis imperfecta syndrome. Also called: PLATYSPONDYLY WITH AMELOGENESIS IMPERFECTA; Tooth agenesis, selective, 6; Dental anomalies and short stature. Identifiers: Orphanet 2899, MedGen C1832594, MONDO:0011018, OMIM 601216. Disease mechanism: loss of function.

Allele frequency attached by ClinVar (database versions not stated): gnomAD exomes 0.00001.

Submissions (2):

Labcorp Genetics (formerly Invitae), Labcorp
Classification: Uncertain significance for Brachyolmia-amelogenesis imperfecta syndrome. Last evaluated: 2022-11-01. Review status: criteria provided, single submitter. Criteria: Invitae Variant Classification Sherloc (09022015). Collection method: clinical testing. Allele origin: germline.
Comment: This sequence change replaces arginine, which is basic and polar, with histidine, which is basic and polar, at codon 1303 of the LTBP3 protein (p.Arg1303His). This variant is not present in population databases (gnomAD no frequency). This variant has not been reported in the literature in individuals affected with LTBP3-related conditions. Algorithms developed to predict the effect of missense changes on protein structure and function are either unavailable or do not agree on the potential impact of this missense change (SIFT: "Tolerated"; PolyPhen-2: "Probably Damaging"; Align-GVGD: "Class C0"). In summary, the available evidence is currently insufficient to determine the role of this variant in disease. Therefore, it has been classified as a Variant of Uncertain Significance.

Revvity Omics, Revvity
Classification: Uncertain significance. Last evaluated: 2022-08-15. Review status: criteria provided, single submitter. Criteria: ACMG Guidelines, 2015. Collection method: clinical testing. Allele origin: germline.

NM_001130144.3(LTBP3):c.3908G>A (p.Arg1303His)

Gene: LTBP3 (latent transforming growth factor beta binding protein 3; minus strand). Cytogenetic location: 11q13.1.
Variant type: single nucleotide variant.
Coding change: c.3908G>A on transcript NM_001130144.3 (MANE Select); coding-DNA position 3908, G replaced by A.
Protein change: p.Arg1303His; replaces arginine 1303 with histidine.
Molecular consequence: missense variant.
Genome position (GRCh38, 1-based): chr11:65,539,084, C>T on the plus strand (G>A on the coding strand, the complement: LTBP3 is on the minus strand). VCF-style: chr11-65539084-C-T. GRCh37 (hg19) VCF-style: chr11-65306555-C-T.
Other names: c.3416G>A, p.Arg1139His (NM_001164266.1); c.3767G>A, p.Arg1256His (NM_021070.4); short protein forms R1139H, R1256H, R1303H.
Identifiers: ClinVar variation 2433537 (VCV002433537.6), dbSNP rs1855916037, ClinGen allele CA381265751.